The following is an entry in ClinVar:

ClinVar aggregate classification (germline): Uncertain significance. Review status: criteria provided, multiple submitters, no conflicts (2 of 4 stars). 2 submissions from 2 submitters: Uncertain significance (2). Last evaluated 2025-10-01.

Conditions:
Kabuki syndrome. Also called: NIIKAWA-KUROKI SYNDROME; Kabuki make-up syndrome. Identifiers: Orphanet 2322, MedGen C0796004, MONDO:0016512.
KMT2D-related disorder. Also called: KMT2D-Related Disorders.

Allele frequency attached by ClinVar (database versions not stated): gnomAD exomes below 0.00001; TOPMed 0.00001; gnomAD 0.00002.
gnomAD v4.1: 5 of 1,610,570 alleles (0.00031%); highest among the groups gnomAD compares: African/African-American, 0.004%; no homozygotes.

Submissions (2):

PreventionGenetics, part of Exact Sciences
Classification: Uncertain significance for KMT2D-related condition. Last evaluated: 2025-10-01. Review status: criteria provided, single submitter. Criteria: ACMG Guidelines, 2015. Collection method: clinical testing. Allele origin: germline.
Comment: The KMT2D c.2312C>T variant is predicted to result in the amino acid substitution p.Ser771Phe. To our knowledge, this variant has not been reported in the literature or in a large population database (gnomAD), indicating this variant is rare. At this time, the clinical significance of this variant is uncertain due to the absence of conclusive functional and genetic evidence.

Labcorp Genetics (formerly Invitae), Labcorp
Classification: Uncertain significance for Kabuki syndrome. Last evaluated: 2023-12-19. Review status: criteria provided, single submitter. Criteria: Invitae Variant Classification Sherloc (09022015). Collection method: clinical testing. Allele origin: germline.
Comment: This sequence change replaces serine, which is neutral and polar, with phenylalanine, which is neutral and non-polar, at codon 771 of the KMT2D protein (p.Ser771Phe). This variant is not present in population databases (gnomAD no frequency). This variant has not been reported in the literature in individuals affected with KMT2D-related conditions. Advanced modeling of protein sequence and biophysical properties (such as structural, functional, and spatial information, amino acid conservation, physicochemical variation, residue mobility, and thermodynamic stability) performed at Invitae indicates that this missense variant is not expected to disrupt KMT2D protein function with a negative predictive value of 95%. In summary, the available evidence is currently insufficient to determine the role of this variant in disease. Therefore, it has been classified as a Variant of Uncertain Significance.

NM_003482.4(KMT2D):c.2312C>T (p.Ser771Phe)

Gene: KMT2D (lysine methyltransferase 2D; minus strand). Cytogenetic location: 12q13.12.
Variant type: single nucleotide variant.
Coding change: c.2312C>T on transcript NM_003482.4 (MANE Select); coding-DNA position 2312, C replaced by T.
Protein change: p.Ser771Phe; replaces serine 771 with phenylalanine.
Molecular consequence: missense variant.
Genome position (GRCh38, 1-based): chr12:49,051,371, G>A on the plus strand (C>T on the coding strand, the complement: KMT2D is on the minus strand). VCF-style: chr12-49051371-G-A. GRCh37 (hg19) VCF-style: chr12-49445154-G-A.
Other names: short protein forms S771F.
Identifiers: ClinVar variation 2877420 (VCV002877420.4), dbSNP rs1054933572, ClinGen allele CA236619360.
Genomic context (GRCh38, chr12:49,051,371, plus strand): 5'-TGGGGGGACAAGTGTGGCTCCTCAGGCACAGCGCATAGGCATGGCTCCTCAGGCTGGGGG[G>A]ACAGGTGTGGCTCCTCAGCCTGCGGAGATAGGTGTGGCTCCTCAGGCCGGGGGGACAGGT-3'
Protein context (NP_003473.3, residues 761-781): LSPQAEEPHL[Ser771Phe]PQPEEPCLCA